The following is an entry in ClinVar:

ClinVar aggregate classification (germline): Likely benign (1 of 4 stars; one submission).

Conditions:
Ehlers-Danlos syndrome, arthrochalasia type. Also called: ARTHROCHALASIS MULTIPLEX CONGENITA; EDS VII, MUTANT PROCOLLAGEN TYPE; EDS VIIA; Ehlers-Danlos syndrome, arthrochalasis type; Ehlers-Danlos syndrome, arthrochalasia type, 1. Identifiers: Orphanet 1899, Orphanet 99875, Orphanet 99876, MedGen C4551623, MONDO:0007525, OMIM 130060.
Osteogenesis imperfecta (OI). Identifiers: Orphanet 666, MedGen C0029434, MeSH D010013, MONDO:0019019.
Osteogenesis imperfecta type I (OI1). Also called: Classic Non-deforming Osteogenesis Imperfecta with Blue Sclerae; Lobstein's Disease; Osteogenesis imperfecta type 1; OI, TYPE I; OSTEOGENESIS IMPERFECTA TARDA; OSTEOGENESIS IMPERFECTA WITH BLUE SCLERAE. Identifiers: Orphanet 216796, Orphanet 666, MedGen C0023931, MONDO:0008146, OMIM 166200. Disease mechanism: loss of function.

Allele frequency attached by ClinVar (database versions not stated): gnomAD exomes below 0.00001.
gnomAD v4.1: 7 of 1,614,016 alleles (0.00043%); highest among the groups gnomAD compares: Non-Finnish European, 0.00059%; no homozygotes.

Submission:

Labcorp Genetics (formerly Invitae), Labcorp
Classification: Likely benign for Osteogenesis imperfecta type I. Last evaluated: 2024-10-15. Review status: criteria provided, single submitter. Criteria: Invitae Variant Classification Sherloc (09022015). Collection method: clinical testing. Allele origin: germline.

NM_000088.4(COL1A1):c.2845C>T (p.Pro949Ser)

Gene: COL1A1 (collagen type I alpha 1 chain; minus strand). Cytogenetic location: 17q21.33.
Variant type: single nucleotide variant.
Coding change: c.2845C>T on transcript NM_000088.4 (MANE Select); coding-DNA position 2845, C replaced by T.
Protein change: p.Pro949Ser; replaces proline 949 with serine.
Molecular consequence: missense variant.
Genome position (GRCh38, 1-based): chr17:50,189,260, G>A on the plus strand (C>T on the coding strand, the complement: COL1A1 is on the minus strand). VCF-style: chr17-50189260-G-A. GRCh37 (hg19) VCF-style: chr17-48266621-G-A.
Other names: short protein forms P949S.
Identifiers: ClinVar variation 567054 (VCV000567054.11), dbSNP rs1434279534, ClinGen allele CA400205180.